The following is an entry in ClinVar:

ClinVar aggregate classification (germline): Conflicting classifications of pathogenicity. Review status: criteria provided, conflicting classifications (1 of 4 stars). 4 submissions from 4 submitters: Uncertain significance (3); Likely benign (1). Last evaluated 2025-10-03.

Conditions:
Primary hyperoxaluria type 3. Also called: PH III. Identifiers: Orphanet 416, Orphanet 93600, MedGen C3150878, MONDO:0013327, OMIM 613616. Disease mechanism: loss of function.
Inborn genetic diseases. Identifiers: MedGen C0950123, MeSH D030342.

Allele frequency attached by ClinVar (database versions not stated): ExAC 0.00013; TOPMed 0.00014; ESP Exome Variant Server 0.00023.
gnomAD v4.1: 287 of 1,613,016 alleles (0.018%); highest among the groups gnomAD compares: Non-Finnish European, 0.022%; no homozygotes.

Submissions (4):

Rare Kidney Stone Consortium and the Mayo Clinic Hyperoxaluria Center, Mayo Clinic
Classification: Uncertain significance for Primary hyperoxaluria type 3. Last evaluated: 2025-10-03. Review status: criteria provided, single submitter. Criteria: ACMG Guidelines, 2015. Collection method: research. Allele origin: germline. Observed: 1 variant allele.
Comment: ACMG:PM1, PP3, BP1

Ambry Genetics
Classification: Uncertain significance for Inborn genetic diseases. Last evaluated: 2025-07-15. Review status: criteria provided, single submitter. Criteria: Ambry Variant Classification Scheme 2023. Collection method: clinical testing. Allele origin: germline.

Labcorp Genetics (formerly Invitae), Labcorp
Classification: Likely benign. Last evaluated: 2024-04-02. Review status: criteria provided, single submitter. Criteria: Invitae Variant Classification Sherloc (09022015). Collection method: clinical testing. Allele origin: germline.

Illumina Laboratory Services, Illumina
Classification: Uncertain significance for Primary hyperoxaluria type 3. Last evaluated: 2018-01-12. Review status: criteria provided, single submitter. Criteria: ICSL Variant Classification Criteria 13 December 2019. Collection method: clinical testing. Allele origin: germline.

Literature cited by the submitters: PubMed 40794449 (cited by Rare Kidney Stone Consortium and the Mayo Clinic Hyperoxaluria Center, Mayo Clinic).

NM_138413.4(HOGA1):c.776C>T (p.Thr259Met)

Gene: HOGA1 (4-hydroxy-2-oxoglutarate aldolase 1; plus strand). Cytogenetic location: 10q24.2.
Variant type: single nucleotide variant.
Coding change: c.776C>T on transcript NM_138413.4 (MANE Select); coding-DNA position 776, C replaced by T.
Protein change: p.Thr259Met; replaces threonine 259 with methionine.
Molecular consequence: missense variant.
Genome position (GRCh38, 1-based): chr10:97,601,932, C>T. VCF-style: chr10-97601932-C-T. GRCh37 (hg19) VCF-style: chr10-99361689-C-T.
Other names: c.287C>T, p.Thr96Met (NM_001134670.2); short protein forms T259M, T96M.
Identifiers: ClinVar variation 879603 (VCV000879603.15), dbSNP rs144103035, ClinGen allele CA5634236.